The following is an entry in ClinVar:

NM_001080488.2(ONECUT3):c.249A>G (p.Glu83=)

Gene: ONECUT3 (one cut homeobox 3; plus strand). Cytogenetic location: 19p13.3.
Variant type: single nucleotide variant.
Coding change: c.249A>G on transcript NM_001080488.2 (MANE Select); coding-DNA position 249, A replaced by G.
Protein change: p.Glu83=; no amino-acid change (glutamic acid 83 retained).
Molecular consequence: synonymous variant.
Genome position (GRCh38, 1-based): chr19:1,753,911, A>G. VCF-style: chr19-1753911-A-G. GRCh37 (hg19) VCF-style: chr19-1753910-A-G.
Identifiers: ClinVar variation 4873846 (VCV004873846.2).

ClinVar aggregate classification (germline): Likely benign (1 of 4 stars; one submission).

Submission:

CeGaT Center for Human Genetics Tuebingen
Classification: Likely benign. Last evaluated: 2026-05-01. Review status: criteria provided, single submitter. Criteria: CeGaT Center For Human Genetics Tuebingen Variant Classification Criteria Version 2. Collection method: clinical testing. Allele origin: germline. Affected: yes. Observed: 1 variant allele.
Comment: ONECUT3: PM2:Supporting, BP4, BP7